The following is an entry in ClinVar:

ClinVar aggregate classification (germline): Uncertain significance. Review status: criteria provided, multiple submitters, no conflicts (2 of 4 stars). 3 submissions from 3 submitters: Uncertain significance (3). Last evaluated 2026-06-04.

Conditions:
COL4A5-related disorder. Also called: COL4A5-related condition.

Submissions (3):

PreventionGenetics, part of Exact Sciences
Classification: Uncertain significance for COL4A5-related condition. Last evaluated: 2026-06-04. Review status: criteria provided, single submitter. Criteria: ACMG Guidelines, 2015. Collection method: clinical testing. Allele origin: germline.
Comment: The COL4A5 c.2877_2879delTCT variant is predicted to result in an in-frame deletion (p.Leu960del). To our knowledge, this variant has not been reported in the literature or in a large population database (gnomAD), indicating this variant is rare. At this time, the clinical significance of this variant is uncertain due to the absence of conclusive functional and genetic evidence.

Labcorp Genetics (formerly Invitae), Labcorp
Classification: Uncertain significance. Last evaluated: 2025-09-30. Review status: criteria provided, single submitter. Criteria: Invitae Variant Classification Sherloc (09022015). Collection method: clinical testing. Allele origin: germline.
Comment: This variant, c.2877_2879del, results in the deletion of 1 amino acid(s) of the COL4A5 protein (p.Leu960del), but otherwise preserves the integrity of the reading frame. This variant is not present in population databases (gnomAD no frequency). This variant has not been reported in the literature in individuals affected with COL4A5-related conditions. Experimental studies and prediction algorithms are not available or were not evaluated, and the functional significance of this variant is currently unknown. In summary, the available evidence is currently insufficient to determine the role of this variant in disease. Therefore, it has been classified as a Variant of Uncertain Significance.

Blueprint Genetics
Classification: Uncertain significance. Last evaluated: 2024-07-17. Review status: criteria provided, single submitter. Criteria: ACMG Guidelines, 2015. Collection method: clinical testing. Allele origin: germline.

NM_033380.3(COL4A5):c.2874TCT[1] (p.Leu960del)

Gene: COL4A5 (collagen type IV alpha 5 chain; plus strand). Cytogenetic location: Xq22.3.
Variant type: Microsatellite.
Coding change: c.2874TCT[1] on transcript NM_033380.3 (MANE Select); one copy of the 3-base unit TCT starting at c.2874; the reference has two copies in a row; one copy, 3 bases deleted.
Protein change: p.Leu960del; deletes leucine 960.
Molecular consequence: inframe deletion.
Genome position (GRCh38, 1-based): chrX:108,622,785-108,622,787, TCT deleted; deleting any 3 consecutive bases within chrX:108,622,782-108,622,787 gives the same sequence; the position shown is the placement nearest the transcript's 3' end. VCF-style (leftmost placement, unchanged base first): chrX-108622781-ATCT-A. GRCh37 (hg19) VCF-style: chrX-107866011-ATCT-A.
Other names: c.2874TCT[1], p.Leu960del (NM_000495.5); c.2877_2879delTCT (NM_000495.4); short protein forms L960del.
Identifiers: ClinVar variation 4745213 (VCV004745213.3).